The following is an entry in ClinVar:

ClinVar aggregate classification (germline): Uncertain significance (1 of 4 stars; one submission).

gnomAD v4.1: 3 of 1,611,382 alleles (0.00019%); highest among the groups gnomAD compares: Middle Eastern, 0.016%; no homozygotes.

Submission:

GeneDx
Classification: Uncertain significance. Last evaluated: 2026-02-14. Review status: criteria provided, single submitter. Criteria: GeneDx Variant Classification Process June 2021. Collection method: clinical testing. Allele origin: germline.
Comment: Not observed at significant frequency in large population cohorts (gnomAD); In silico analysis supports that this missense variant has a deleterious effect on protein structure/function; Has not been previously published as pathogenic or benign to our knowledge

NM_001750.7(CAST):c.2363C>T (p.Pro788Leu)

Genes: CAST (calpastatin; plus strand), ERAP1 (endoplasmic reticulum aminopeptidase 1; minus strand). Cytogenetic location: 5q15.
Variant type: single nucleotide variant.
Coding change: c.2363C>T on transcript NM_001750.7 (MANE Select); coding-DNA position 2363, C replaced by T.
Protein change: p.Pro788Leu; replaces proline 788 with leucine.
Molecular consequence: missense variant. On other transcripts: non-coding transcript variant (1), intron variant (2).
Genome position (GRCh38, 1-based): chr5:96,771,666, C>T. VCF-style: chr5-96771666-C-T. GRCh37 (hg19) VCF-style: chr5-96107370-C-T.
Other names: c.1988C>T, p.Pro663Leu (NM_001284212.4); c.1898C>T, p.Pro633Leu (NM_001284213.4); c.2267C>T, p.Pro756Leu (NM_001330626.2); c.2237C>T, p.Pro746Leu (NM_001330627.2); c.2195C>T, p.Pro732Leu (NM_001330628.2); c.2279C>T, p.Pro760Leu (NM_001330629.2); c.1949C>T, p.Pro650Leu (NM_001330630.2); c.2075C>T, p.Pro692Leu (NM_001330631.2, NM_001190442.2, NM_001423251.1 and 1 more transcripts); and 14 more; short protein forms P663L, P669L, P692L, P769L, P650L, P664L, P686L, P705L.
Identifiers: ClinVar variation 5008579 (VCV005008579.1).